The following is an entry in ClinVar:

ClinVar aggregate classification (germline): Likely benign. Review status: criteria provided, multiple submitters, no conflicts (2 of 4 stars). 2 submissions from 2 submitters: Likely benign (2). Last evaluated 2026-06-01.

Submissions (2):

CeGaT Center for Human Genetics Tuebingen
Classification: Likely benign. Last evaluated: 2026-06-01. Review status: criteria provided, single submitter. Criteria: CeGaT Center For Human Genetics Tuebingen Variant Classification Criteria Version 2. Collection method: clinical testing. Allele origin: germline. Affected: yes. Observed: 5 variant alleles.
Comment: FMN2: BP4, BP7

Blueprint Genetics
Classification: Likely benign. Last evaluated: 2024-11-25. Review status: criteria provided, single submitter. Criteria: ACMG Guidelines, 2015. Collection method: clinical testing. Allele origin: germline.

NM_020066.5(FMN2):c.2856A>C (p.Ala952=)

Gene: FMN2 (formin 2; plus strand). Cytogenetic location: 1q43.
Variant type: single nucleotide variant.
Coding change: c.2856A>C on transcript NM_020066.5 (MANE Select); coding-DNA position 2856, A replaced by C.
Protein change: p.Ala952=; no amino-acid change (alanine 952 retained).
Molecular consequence: synonymous variant. On other transcripts: intron variant (1).
Genome position (GRCh38, 1-based): chr1:240,207,668, A>C. VCF-style: chr1-240207668-A-C. GRCh37 (hg19) VCF-style: chr1-240370968-A-C.
Other names: c.2868A>C, p.Ala956= (NM_001305424.2); c.1986+19406A>C (NM_001348094.2).
Identifiers: ClinVar variation 2640139 (VCV002640139.25), dbSNP rs200886762, ClinGen allele CA1476817.
Genomic context (GRCh38, chr1:240,207,668, plus strand): 5'-CCCTCTGCCCCCTCTACCCGGAGCGGGAATACCTCCTCCGCCCCCTCTACCCGGAGCGGC[A>C]ATACCCCCTCCGCCCCCTCTTCCCGGGGCAGGCATACCCCTTCCTCCCCCTCTTCCCGGA-3'
Protein context (NP_064450.3, residues 942-962): IPPPPPLPGA[Ala952=]IPPPPPLPGA